The following is an entry in ClinVar:

ClinVar aggregate classification (germline): Benign/Likely benign. Review status: criteria provided, multiple submitters, no conflicts (2 of 4 stars). 15 submissions from 13 submitters: Benign (8); Likely benign (7). Last evaluated 2026-02-04.

Conditions:
Hereditary pheochromocytoma and paraganglioma. Also called: Hereditary paragangliomas and pheochromocytomas; Hereditary pheochromocytoma-paraganglioma; Hereditary Paraganglioma-Pheochromocytoma Syndromes. Identifiers: Orphanet 29072, MedGen C4274332, MONDO:0017366.
Hereditary cancer-predisposing syndrome. Also called: Tumor predisposition; Neoplastic Syndromes, Hereditary; Hereditary Cancer Syndrome; Hereditary neoplastic syndrome. Identifiers: Orphanet 140162, MedGen C0027672, MeSH D009386, MONDO:0015356.
Mitochondrial complex II deficiency, nuclear type 1. Also called: SUCCINATE CoQ REDUCTASE DEFICIENCY. Identifiers: Orphanet 3208, MedGen C5700310, MONDO:0100294, OMIM 252011.
Dilated cardiomyopathy 1GG (CMD1GG). Identifiers: Orphanet 154, MedGen C3150898, MONDO:0013339, OMIM 613642.
Neurodegeneration with ataxia and late-onset optic atrophy. Identifiers: MedGen C5543254, MONDO:0031006, OMIM 619259.
Pheochromocytoma/paraganglioma syndrome 5. Also called: Paragangliomas 5; SDHA-Related Hereditary Paraganglioma-Pheochromocytoma Syndrome. Identifiers: Orphanet 29072, MedGen C3279992, MONDO:0013602, OMIM 614165.
Leigh syndrome (NULS). Also called: Leigh's necrotizing encephalopathy; Leigh Syndrome (mtDNA deletion); Subacute necrotizing encephalopathy; Necrotizing encephalopathy infantile subacute of Leigh; LEIGH SYNDROME, NUCLEAR; Leigh's syndrome. Identifiers: Orphanet 506, MedGen C2931891, MONDO:0009723, OMIM 256000.

Allele frequency attached by ClinVar (database versions not stated): gnomAD 0.00056 and 0.00082; gnomAD exomes 0.00068 and 0.00155; TOPMed 0.00087; ExAC 0.00158; 1000 Genomes Project 30x 0.00422; 1000 Genomes Project 0.00519.
gnomAD v4.1: 1,116 of 1,614,116 alleles (0.069%); highest among the groups gnomAD compares: East Asian, 2.2%; 16 homozygotes.

Submissions (15):

Labcorp Genetics (formerly Invitae), Labcorp
Classification: Benign for Pheochromocytoma/paraganglioma syndrome 5; Mitochondrial complex II deficiency, nuclear type 1. Last evaluated: 2026-02-04. Review status: criteria provided, single submitter. Criteria: Invitae Variant Classification Sherloc (09022015). Collection method: clinical testing. Allele origin: germline.

Center for Genomic Medicine, Rigshospitalet, Copenhagen University Hospital
Classification: Benign. Last evaluated: 2025-12-29. Review status: criteria provided, single submitter. Criteria: ACMG Guidelines, 2015. Collection method: clinical testing. Allele origin: germline.

Mayo Clinic Laboratories, Mayo Clinic
Classification: Benign. Last evaluated: 2025-09-30. Review status: criteria provided, single submitter. Criteria: ACMG Guidelines, 2015. Collection method: clinical testing. Allele origin: germline. Observed: 1 variant allele.
Comment: BS1, BS2, PP3

Quest Diagnostics Nichols Institute San Juan Capistrano
Classification: Benign. Last evaluated: 2025-09-08. Review status: criteria provided, single submitter. Criteria: Quest Diagnostics criteria. Collection method: clinical testing. Allele origin: unknown.

Blueprint Genetics
Classification: Likely benign. Last evaluated: 2024-11-20. Review status: criteria provided, single submitter. Criteria: ACMG Guidelines, 2015. Collection method: clinical testing. Allele origin: germline.

KCCC/NGS Laboratory, Kuwait Cancer Control Center
Classification: Benign for Pheochromocytoma/paraganglioma syndrome 5. Last evaluated: 2023-07-07. Review status: criteria provided, single submitter. Criteria: ACMG Guidelines, 2015. Collection method: clinical testing. Allele origin: germline. Affected: yes.

Department of Pathology and Laboratory Medicine, Sinai Health System
Classification: Benign for Mitochondrial complex II deficiency, nuclear type 1; Dilated cardiomyopathy 1GG; Pheochromocytoma/paraganglioma syndrome 5; Neurodegeneration with ataxia and late-onset optic atrophy. Last evaluated: 2023-03-07. Review status: criteria provided, single submitter. Criteria: ACMG Guidelines, 2015. Collection method: clinical testing. Allele origin: germline. Affected: yes.

Ambry Genetics
Classification: Likely benign for Hereditary cancer-predisposing syndrome. Last evaluated: 2019-04-25. Review status: criteria provided, single submitter. Criteria: Ambry Variant Classification Scheme 2023. Collection method: clinical testing. Allele origin: germline.

Genetic Services Laboratory, University of Chicago
Classification: Benign. Last evaluated: 2019-03-13. Review status: criteria provided, single submitter. Criteria: ACMG Guidelines, 2015. Collection method: clinical testing. Allele origin: germline. Affected: no.

GeneDx
Classification: Benign. Last evaluated: 2017-12-11. Review status: criteria provided, single submitter. Criteria: GeneDx Variant Classification (06012015). Collection method: clinical testing. Allele origin: germline. Affected: yes.
Comment: This variant is considered likely benign or benign based on one or more of the following criteria: it is a conservative change, it occurs at a poorly conserved position in the protein, it is predicted to be benign by multiple in silico algorithms, and/or has population frequency not consistent with disease.

Center for Pediatric Genomic Medicine, Children's Mercy Hospital and Clinics
Classification: Likely benign. Last evaluated: 2017-06-05. Review status: criteria provided, single submitter. Criteria: ACMG Guidelines, 2015. Collection method: clinical testing. Allele origin: germline.

Illumina Laboratory Services, Illumina
Classification: Likely benign for Hereditary Paraganglioma-Pheochromocytoma Syndromes. Last evaluated: 2017-04-27. Review status: criteria provided, single submitter. Criteria: ICSL Variant Classification Criteria 13 December 2019. Collection method: clinical testing. Allele origin: germline.
Comment: This variant was observed as part of a predisposition screen in an ostensibly healthy population. A literature search was performed for the gene, cDNA change, and amino acid change (where applicable). No publications were found based on this search. Allele frequency data from public databases allowed determination this variant is unlikely to cause disease. Therefore, this variant is classified as likely benign.

Illumina Laboratory Services, Illumina
Classification: Likely benign for Mitochondrial complex II deficiency, nuclear type 1. Last evaluated: 2017-04-27. Review status: criteria provided, single submitter. Criteria: ICSL Variant Classification Criteria 13 December 2019. Collection method: clinical testing. Allele origin: germline.
Comment: the same text as in the submission from Illumina Laboratory Services, Illumina above.

Illumina Laboratory Services, Illumina
Classification: Likely benign for Leigh syndrome. Last evaluated: 2017-04-27. Review status: criteria provided, single submitter. Criteria: ICSL Variant Classification Criteria 13 December 2019. Collection method: clinical testing. Allele origin: germline.
Comment: the same text as in the submission from Illumina Laboratory Services, Illumina above.

Breakthrough Genomics
Classification: Likely benign. Review status: criteria provided, single submitter. Criteria: ACMG Guidelines, 2015. Collection method: not provided. Allele origin: germline. Inheritance: Autosomal recessive inheritance. Affected: yes.

Literature cited by the submitters: PubMed 34014604 (cited by Quest Diagnostics Nichols Institute San Juan Capistrano).

NM_004168.4(SDHA):c.550G>A (p.Gly184Arg)

Gene: SDHA (succinate dehydrogenase complex flavoprotein subunit A; plus strand). Cytogenetic location: 5p15.33.
Variant type: single nucleotide variant.
Coding change: c.550G>A on transcript NM_004168.4 (MANE Select); coding-DNA position 550, G replaced by A.
Protein change: p.Gly184Arg; replaces glycine 184 with arginine.
Molecular consequence: missense variant.
Genome position (GRCh38, 1-based): chr5:225,976, G>A. VCF-style: chr5-225976-G-A. GRCh37 (hg19) VCF-style: chr5-226091-G-A.
Other names: p.Gly184Arg; c.406G>A, p.Gly136Arg (NM_001294332.2); c.550G>A, p.Gly184Arg (NM_001330758.2); short protein forms G184R, G136R.
Identifiers: ClinVar variation 221062 (VCV000221062.31), dbSNP rs148246073, ClinGen allele CA348484.